The following is an entry in ClinVar:

ClinVar aggregate classification (germline): Uncertain significance (1 of 4 stars; one submission).

Conditions:
Hereditary cancer-predisposing syndrome. Also called: Neoplastic Syndromes, Hereditary; Tumor predisposition; Hereditary neoplastic syndrome; Hereditary Cancer Syndrome. Identifiers: Orphanet 140162, MedGen C0027672, MeSH D009386, MONDO:0015356.

Submission:

Ambry Genetics
Classification: Uncertain significance for Hereditary cancer-predisposing syndrome. Last evaluated: 2026-07-07. Review status: criteria provided, single submitter. Criteria: Ambry Variant Classification Scheme 2023. Collection method: clinical testing. Allele origin: germline.
Comment: The p.Q173E variant (also known as c.517C>G), located in coding exon 1 of the AXIN2 gene, results from a C to G substitution at nucleotide position 517. The glutamine at codon 173 is replaced by glutamic acid, an amino acid with highly similar properties. This amino acid position is conserved. In addition, this alteration is predicted to be tolerated by in silico analysis. Based on the available evidence, the clinical significance of this variant remains unclear.

NM_004655.4(AXIN2):c.517C>G (p.Gln173Glu)

Gene: AXIN2 (axin 2; minus strand). Cytogenetic location: 17q24.1.
Variant type: single nucleotide variant.
Coding change: c.517C>G on transcript NM_004655.4 (MANE Select); coding-DNA position 517, C replaced by G.
Protein change: p.Gln173Glu; replaces glutamine 173 with glutamic acid.
Molecular consequence: missense variant.
Genome position (GRCh38, 1-based): chr17:65,558,104, G>C on the plus strand (C>G on the coding strand, the complement: AXIN2 is on the minus strand). VCF-style: chr17-65558104-G-C. GRCh37 (hg19) VCF-style: chr17-63554222-G-C.
Other names: c.517C>G, p.Gln173Glu (NM_001363813.1); short protein forms Q173E.
Identifiers: ClinVar variation 5032631 (VCV005032631.1).
Genomic context (GRCh38, chr17:65,558,104, plus strand): 5'-AAGTCAAAAACATCTGGTAGGCATTTTCCTCCATCACCGACTGGATCTCGGTCTGCGCCT[G>C]GTCAAACATGATGGAATCAATCTGCTGCTTCTTGATGCCATCTCTTATGTAGGTCTTGGT-3'
Protein context (NP_004646.3, residues 163-183): KQQIDSIMFD[Gln173Glu]AQTEIQSVME